The following is an entry in ClinVar:

ClinVar aggregate classification (germline): Pathogenic. Review status: criteria provided, multiple submitters, no conflicts (2 of 4 stars). 3 submissions from 3 submitters: Pathogenic (3). Last evaluated 2024-01-18.

Conditions:
Hereditary cancer-predisposing syndrome. Also called: Tumor predisposition; Hereditary Cancer Syndrome; Neoplastic Syndromes, Hereditary; Hereditary neoplastic syndrome. Identifiers: Orphanet 140162, MedGen C0027672, MeSH D009386, MONDO:0015356.
Familial cancer of breast. Also called: Hereditary breast cancer; hereditary breast carcinoma; BREAST CANCER, FAMILIAL. Identifiers: Orphanet 227535, MedGen C0346153, MONDO:0016419, OMIM 114480. Disease mechanism: loss of function.
Ataxia-telangiectasia syndrome (AT). Also called: Cerebello-oculocutaneous telangiectasia; Immunodeficiency with ataxia telangiectasia; Ataxia-telangiectasia, complementation group D; AT, COMPLEMENTATION GROUP C; Ataxia-telangiectasia, complementation group E; LOUIS-BAR SYNDROME. Identifiers: Orphanet 100, MedGen C0004135, MONDO:0008840, OMIM 208900.

gnomAD v4.1: 1 of 1,614,088 alleles (0.000062%); highest among the groups gnomAD compares: Non-Finnish European, 0.000085%; no homozygotes.

Submissions (3):

Myriad Genetics, Inc.
Classification: Pathogenic for Familial cancer of breast. Last evaluated: 2024-01-18. Review status: criteria provided, single submitter. Criteria: Myriad Autosomal Dominant, Autosomal Recessive and X-Linked Classification Criteria (2023). Collection method: clinical testing. Allele origin: unknown.
Comment: This variant is considered pathogenic. This variant creates a termination codon and is predicted to result in premature protein truncation.

Labcorp Genetics (formerly Invitae), Labcorp
Classification: Pathogenic for Ataxia-telangiectasia syndrome. Last evaluated: 2022-03-02. Review status: criteria provided, single submitter. Criteria: Invitae Variant Classification Sherloc (09022015). Collection method: clinical testing. Allele origin: germline.
Comment: For these reasons, this variant has been classified as Pathogenic. ClinVar contains an entry for this variant (Variation ID: 453426). This variant has not been reported in the literature in individuals affected with ATM-related conditions. This variant is present in population databases (no rsID available, gnomAD 0.0009%). This sequence change creates a premature translational stop signal (p.Leu898*) in the ATM gene. It is expected to result in an absent or disrupted protein product. Loss-of-function variants in ATM are known to be pathogenic (PMID: 23807571, 25614872).

Ambry Genetics
Classification: Pathogenic for Hereditary cancer-predisposing syndrome. Last evaluated: 2019-06-05. Review status: criteria provided, single submitter. Criteria: Ambry Variant Classification Scheme 2023. Collection method: clinical testing. Allele origin: germline.
Comment: The p.L898* pathogenic mutation (also known as c.2693T>G), located in coding exon 17 of the ATM gene, results from a T to G substitution at nucleotide position 2693. This changes the amino acid from a leucine to a stop codon within coding exon 17. This alteration is expected to result in loss of function by premature protein truncation or nonsense-mediated mRNA decay. As such, this alteration is interpreted as a disease-causing mutation.

Literature cited by the submitters: PubMed 23807571 (cited by Labcorp Genetics (formerly Invitae), Labcorp); PubMed 25614872 (cited by Labcorp Genetics (formerly Invitae), Labcorp).

NM_000051.4(ATM):c.2693T>G (p.Leu898Ter)

Gene: ATM (ATM serine/threonine kinase; plus strand). Cytogenetic location: 11q22.3.
Variant type: single nucleotide variant.
Coding change: c.2693T>G on transcript NM_000051.4 (MANE Select); coding-DNA position 2693, T replaced by G.
Protein change: p.Leu898Ter; replaces leucine 898 with a stop codon.
Molecular consequence: nonsense.
Genome position (GRCh38, 1-based): chr11:108,268,464, T>G. VCF-style: chr11-108268464-T-G. GRCh37 (hg19) VCF-style: chr11-108139191-T-G.
Other names: c.2693T>G, p.Leu898Ter (NM_001351834.2); short protein forms L898*.
Identifiers: ClinVar variation 453426 (VCV000453426.11), dbSNP rs770610463, ClinGen allele CA382545194.